The following is an entry in ClinVar:

NM_001145809.2(MYH14):c.5033A>C (p.Lys1678Thr)

Gene: MYH14 (myosin heavy chain 14; plus strand). Cytogenetic location: 19q13.33.
Variant type: single nucleotide variant.
Coding change: c.5033A>C on transcript NM_001145809.2 (MANE Select); coding-DNA position 5033, A replaced by C.
Protein change: p.Lys1678Thr; replaces lysine 1678 with threonine.
Molecular consequence: missense variant.
Genome position (GRCh38, 1-based): chr19:50,290,954, A>C. VCF-style: chr19-50290954-A-C. GRCh37 (hg19) VCF-style: chr19-50794211-A-C.
Other names: c.4934A>C, p.Lys1645Thr (NM_001077186.2); c.4910A>C, p.Lys1637Thr (NM_024729.4); short protein forms K1637T, K1645T, K1678T.
Identifiers: ClinVar variation 2663257 (VCV002663257.1), dbSNP rs2036053938, ClinGen allele CA406961811.

ClinVar aggregate classification (germline): Uncertain significance (1 of 4 stars; one submission).

Allele frequency attached by ClinVar (database versions not stated): TOPMed 0.00001.

Submission:

GeneDx
Classification: Uncertain significance. Last evaluated: 2023-05-12. Review status: criteria provided, single submitter. Criteria: GeneDx Variant Classification Process June 2021. Collection method: clinical testing. Allele origin: germline. Affected: yes.
Comment: Not observed at significant frequency in large population cohorts (gnomAD); In silico analysis supports that this missense variant has a deleterious effect on protein structure/function; Has not been previously published as pathogenic or benign to our knowledge